The following is an entry in ClinVar:

ClinVar aggregate classification (germline): Benign/Likely benign. Review status: criteria provided, multiple submitters, no conflicts (2 of 4 stars). 7 submissions from 7 submitters: Benign (2); Likely benign (4). 1 of the submissions does not count toward it. Last evaluated 2026-02-01.

Conditions:
Inclusion body myopathy with Paget disease of bone and frontotemporal dementia. Also called: Inclusion body myopathy with early-onset Paget disease and frontotemporal dementia. Identifiers: Orphanet 52430, MedGen C1833662, MONDO:0000507.
Frontotemporal dementia and/or amyotrophic lateral sclerosis 6 (FTDALS6). Also called: VCP-Related Amyotrophic Lateral Sclerosis/Frontotemporal Dementia; VCP-Related Amyotrophic Lateral Sclerosis. Identifiers: Orphanet 275872, Orphanet 803, MedGen C5436279, MONDO:0013501, OMIM 613954.
VCP-related disorder. Also called: VCP-related disorders; VCP-related condition.
Inborn genetic diseases. Identifiers: MedGen C0950123, MeSH D030342.

Allele frequency attached by ClinVar (database versions not stated): gnomAD 0.00009 and 0.00013; TOPMed 0.00010; ExAC 0.00022; gnomAD exomes 0.00030; 1000 Genomes Project 30x 0.00062; 1000 Genomes Project 0.00080.
gnomAD v4.1: 103 of 1,614,152 alleles (0.0064%); highest among the groups gnomAD compares: East Asian, 0.16%; no homozygotes.

Submissions (7):

Labcorp Genetics (formerly Invitae), Labcorp
Classification: Benign for Inclusion body myopathy with Paget disease of bone and frontotemporal dementia; Frontotemporal dementia and/or amyotrophic lateral sclerosis 6. Last evaluated: 2026-02-01. Review status: criteria provided, single submitter. Criteria: Invitae Variant Classification Sherloc (09022015). Collection method: clinical testing. Allele origin: germline.

Mayo Clinic Laboratories, Mayo Clinic
Classification: Likely benign. Last evaluated: 2025-10-03. Review status: criteria provided, single submitter. Criteria: ACMG Guidelines, 2015. Collection method: clinical testing. Allele origin: germline. Observed: 1 variant allele.
Comment: BS1, BP4, BP7

Blueprint Genetics
Classification: Likely benign. Last evaluated: 2024-11-18. Review status: criteria provided, single submitter. Criteria: ACMG Guidelines, 2015. Collection method: clinical testing. Allele origin: germline.

CeGaT Center for Human Genetics Tuebingen
Classification: Benign. Last evaluated: 2022-09-01. Review status: criteria provided, single submitter. Criteria: CeGaT Center For Human Genetics Tuebingen Variant Classification Criteria Version 2. Collection method: clinical testing. Allele origin: germline. Affected: yes. Observed: 1 variant allele.
Comment: VCP: BS1, BS2

Ambry Genetics
Classification: Likely benign for Inborn genetic diseases. Last evaluated: 2019-07-11. Review status: criteria provided, single submitter. Criteria: Ambry Variant Classification Scheme 2023. Collection method: clinical testing. Allele origin: germline.

Eurofins Ntd Llc (ga)
Classification: Likely benign. Last evaluated: 2017-04-19. Review status: criteria provided, single submitter. Criteria: EGL Classification Definitions 2015. Collection method: clinical testing. Allele origin: germline. Observed: 1 variant allele, 1 heterozygote.

PreventionGenetics, part of Exact Sciences
Classification: Likely benign for VCP-related condition. Last evaluated: 2019-05-10. Review status: no assertion criteria provided. Collection method: clinical testing. Allele origin: germline. Not counted in ClinVar's aggregate classification.
Comment: This variant is classified as likely benign based on ACMG/AMP sequence variant interpretation guidelines (Richards et al. 2015 PMID: 25741868, with internal and published modifications).

NM_007126.5(VCP):c.1875G>T (p.Arg625=)

Gene: VCP (valosin containing protein; minus strand). Cytogenetic location: 9p13.3.
Variant type: single nucleotide variant.
Coding change: c.1875G>T on transcript NM_007126.5 (MANE Select); coding-DNA position 1875, G replaced by T.
Protein change: p.Arg625=; no amino-acid change (arginine 625 retained).
Molecular consequence: synonymous variant.
Genome position (GRCh38, 1-based): chr9:35,059,622, C>A on the plus strand (G>T on the coding strand, the complement: VCP is on the minus strand). VCF-style: chr9-35059622-C-A. GRCh37 (hg19) VCF-style: chr9-35059619-C-A.
Other names: p.Arg625=; c.1740G>T, p.Arg580= (NM_001354927.2, NM_001354928.2).
Identifiers: ClinVar variation 501479 (VCV000501479.53), dbSNP rs201410035, ClinGen allele CA5039171.
Genomic context (GRCh38, chr9:35,059,622, plus strand): 5'-GATGTAGATGAGCTGATCAAGACGGCCAGGTCTGAGGATGGCAGGATCAATGATGTCAGG[C>A]CGGTTGGTAGCGCCAATGATGAACACATTTTTTTTTGTGGACATGCCATCCATTTCTGTC-3'
Protein context (NP_009057.1, residues 615-635): KNVFIIGATN[Arg625=]PDIIDPAILR